The following is an entry in ClinVar:

NM_001009944.3(PKD1):c.9347_9350dup (p.Phe3118fs)

Gene: PKD1 (polycystin 1, transient receptor potential channel interacting; minus strand). Cytogenetic location: 16p13.3.
Variant type: Duplication.
Coding change: c.9347_9350dup on transcript NM_001009944.3 (MANE Select); coding-DNA positions 9347 to 9350, 4 bases duplicated (GCCG; older notation c.9347_9350dupGCCG).
Protein change: p.Phe3118fs; shifts the reading frame from phenylalanine 3118.
Molecular consequence: frameshift variant.
Genome position (GRCh38, 1-based): chr16:2,102,108-2,102,111, CGGC duplicated on the plus strand (GCCG on the coding strand, the reverse complement: PKD1 is on the minus strand); duplicating any 4 consecutive bases within chr16:2,102,108-2,102,112 gives the same sequence; the c. name uses the placement nearest the transcript's 3' end. VCF-style (leftmost placement, unchanged base first): chr16-2102107-G-GCGGC. GRCh37 (hg19) VCF-style: chr16-2152108-G-GCGGC.
Other names: c.9347_9350dup, p.Phe3118fs (NM_000296.4); short protein forms F3118fs.
Identifiers: ClinVar variation 1256454 (VCV001256454.1), dbSNP rs2151748289, ClinGen allele CA2499223375.
Genomic context (GRCh38, chr16:2,102,107, plus strand): 5'-GCTGCGCCCCTCACCTGAGCCCCGGCCCCAGCCTGTCTTGACGAGGATCTCGTACTTGAA[G>GCGGC]CGGCCCCGCTGCCCACAGAAAGGGATGGCGCGGCCCCGGCTGGCATCCAACTGGTCCAGC-3'

ClinVar aggregate classification (germline): Pathogenic (1 of 4 stars; one submission).

Submission:

Athena Diagnostics
Classification: Pathogenic. Last evaluated: 2020-09-18. Review status: criteria provided, single submitter. Criteria: Athena Diagnostics criteria. Collection method: clinical testing. Allele origin: unknown.
Comment: This variant is expected to result in the loss of a functional protein. This variant has not been reported in large, multi-ethnic general populations. This variant has been identified in at least one individual with clinical features associated with this gene.